The following is an entry in ClinVar:

NM_000199.5(SGSH):c.673T>C (p.Phe225Leu)

Gene: SGSH (N-sulfoglucosamine sulfohydrolase; minus strand). Cytogenetic location: 17q25.3.
Variant type: single nucleotide variant.
Coding change: c.673T>C on transcript NM_000199.5 (MANE Select); coding-DNA position 673, T replaced by C.
Protein change: p.Phe225Leu; replaces phenylalanine 225 with leucine.
Molecular consequence: missense variant. On other transcripts: non-coding transcript variant (1).
Genome position (GRCh38, 1-based): chr17:80,213,876, A>G on the plus strand (T>C on the coding strand, the complement: SGSH is on the minus strand). VCF-style: chr17-80213876-A-G. GRCh37 (hg19) VCF-style: chr17-78187675-A-G.
Other names: c.673T>C, p.Phe225Leu (NM_001352921.3, NM_001352922.2); short protein forms F225L.
Identifiers: ClinVar variation 383967 (VCV000383967.10), dbSNP rs1057521801, ClinGen allele CA16607531.

ClinVar aggregate classification (germline): Pathogenic/Likely pathogenic. Review status: criteria provided, multiple submitters, no conflicts (2 of 4 stars). 4 submissions from 4 submitters: Pathogenic (2); Likely pathogenic (2). Last evaluated 2022-02-24.

Conditions:
Mucopolysaccharidosis, MPS-III-A (MPS3A). Also called: Mucopolysaccharidosis type IIIA (Sanfilippo A); mucopolysaccharidosis type 3A; MPS IIIA (Sanfilippo Syndrome Type A); SANFILIPPO SYNDROME A; SULFAMIDASE DEFICIENCY; HEPARAN SULFATE SULFATASE DEFICIENCY. Identifiers: Orphanet 581, Orphanet 79269, MedGen C0086647, MONDO:0009655, OMIM 252900.

Submissions (4):

Labcorp Genetics (formerly Invitae), Labcorp
Classification: Likely pathogenic for Mucopolysaccharidosis, MPS-III-A. Last evaluated: 2022-02-24. Review status: criteria provided, single submitter. Criteria: Invitae Variant Classification Sherloc (09022015). Collection method: clinical testing. Allele origin: germline.
Comment: ClinVar contains an entry for this variant (Variation ID: 383967). In summary, the currently available evidence indicates that the variant is pathogenic, but additional data are needed to prove that conclusively. Therefore, this variant has been classified as Likely Pathogenic. Advanced modeling of protein sequence and biophysical properties (such as structural, functional, and spatial information, amino acid conservation, physicochemical variation, residue mobility, and thermodynamic stability) performed at Invitae indicates that this missense variant is expected to disrupt SGSH protein function. This missense change has been observed in individual(s) with mucopolysaccharidosis type III (PMID: 21204211). This variant is not present in population databases (gnomAD no frequency). This sequence change replaces phenylalanine, which is neutral and non-polar, with leucine, which is neutral and non-polar, at codon 225 of the SGSH protein (p.Phe225Leu).

Genome-Nilou Lab
Classification: Pathogenic for Mucopolysaccharidosis, MPS-III-A. Last evaluated: 2021-11-07. Review status: criteria provided, single submitter. Criteria: ACMG Guidelines, 2015. Collection method: clinical testing. Allele origin: germline. Affected: no.

Geisinger Autism and Developmental Medicine Institute, Geisinger Health System
Classification: Pathogenic for Mucopolysaccharidosis, MPS-III-A. Last evaluated: 2017-04-26. Review status: criteria provided, single submitter. Criteria: ACMG Guidelines, 2015. Collection method: clinical testing. Allele origin: maternal. Affected: yes. Observed: 2 variant alleles.
Comment: The following ACMG criteria are met: PS1 (Same amino acid change as pathogenic variant, Heron 2010), PS3 (Well-established functional study), PM2 (Absent from population databases), PM3 (In trans with pathogenic variant), PP1 (Co-segregation with disease in multiple family members). Two sisters in our clinical practice are compound heterozygotes for E355K and P225L and a clinical diagnosis of MPS IIIA was confirmed by clinical exam, positive urine screen, and absent enzyme activity in leukocytes.

GeneDx
Classification: Likely pathogenic. Last evaluated: 2016-10-31. Review status: criteria provided, single submitter. Criteria: GeneDx Variant Classification (06012015). Collection method: clinical testing. Allele origin: germline. Affected: yes.
Comment: The c.673 T>C nucleotide substitution, resulting in the F225L amino acid change, has not been reported previously as a pathogenic or benign variant to our knowledge. However, a different nucleotide substitution (c.675C>G) that also results in the F225L missense substitution was previously identified in two families with mucopolysaccharidosis type IIIA (MPSIIIA), supporting the functional importance of this position in the protein (Heron et al., 2010). Additionally, a missense variant in a neighboring codon (P227R) has been reported in the Human Gene Mutation Database in association with MPSIIIA (Stenson et al., 2014). The F225L variant was not observed in approximately 6500 individuals of European and African American ancestry in the NHLBI Exome Sequencing Project, indicating it is not a common benign variant in these populations. It is a conservative amino acid substitution that occurs at a position that is conserved across species. In silico analysis is inconsistent in its predictions as to whether or not the variant is damaging to the protein structure/function. The F225L variant is a strong candidate for a pathogenic variant, however the possibility it may be a rare benign variant cannot be excluded.

Literature cited by the submitters: PubMed 21204211 (cited by Labcorp Genetics (formerly Invitae), Labcorp and Geisinger Autism and Developmental Medicine Institute, Geisinger Health System).